The following is an entry in ClinVar:

ClinVar aggregate classification (germline): Conflicting classifications of pathogenicity. Review status: criteria provided, conflicting classifications (1 of 4 stars). 2 submissions from 2 submitters: Likely pathogenic (1); Uncertain significance (1). Last evaluated 2025-04-25.

Conditions:
Hereditary cancer-predisposing syndrome. Also called: Neoplastic Syndromes, Hereditary; Hereditary Cancer Syndrome; Tumor predisposition; Hereditary neoplastic syndrome. Identifiers: Orphanet 140162, MedGen C0027672, MeSH D009386, MONDO:0015356.

Submissions (2):

Quest Diagnostics Nichols Institute San Juan Capistrano
Classification: Uncertain significance. Last evaluated: 2025-04-25. Review status: criteria provided, single submitter. Criteria: Quest Diagnostics criteria. Collection method: clinical testing. Allele origin: unknown.

Ambry Genetics
Classification: Likely pathogenic for Hereditary cancer-predisposing syndrome. Last evaluated: 2025-01-16. Review status: criteria provided, single submitter. Criteria: Ambry Variant Classification Scheme 2023. Collection method: clinical testing. Allele origin: germline.
Comment: The c.7306A>G variant (also known as p.R2436G), located in coding exon 48 of the ATM gene, results from an A to G substitution at nucleotide position 7306. The arginine at codon 2436 is replaced by glycine, an amino acid with dissimilar properties. This nucleotide position is highly conserved in available vertebrate species. In silico splice site analysis predicts that this alteration will weaken the native splice donor site. RNA studies have demonstrated that this alteration results in abnormal splicing in the set of samples tested (Ambry internal data). This variant is considered to be rare based on population cohorts in the Genome Aggregation Database (gnomAD). Based on the majority of available evidence to date, this variant is likely to be pathogenic.

NM_000051.4(ATM):c.7306A>G (p.Arg2436Gly)

Genes: C11orf65 (chromosome 11 open reading frame 65; minus strand), ATM (ATM serine/threonine kinase; plus strand). Cytogenetic location: 11q22.3.
Variant type: single nucleotide variant.
Coding change: c.7306A>G on transcript NM_000051.4 (MANE Select); coding-DNA position 7306, A replaced by G.
Protein change: p.Arg2436Gly; replaces arginine 2436 with glycine.
Molecular consequence: missense variant. On other transcripts: intron variant (2).
Genome position (GRCh38, 1-based): chr11:108,329,237, A>G. VCF-style: chr11-108329237-A-G. GRCh37 (hg19) VCF-style: chr11-108199964-A-G.
Other names: c.7306A>G, p.Arg2436Gly (NM_001351834.2); c.641-20166T>C (NM_001330368.2); c.*38+5983T>C (NM_001351110.2); short protein forms R2436G.
Identifiers: ClinVar variation 479022 (VCV000479022.8), dbSNP rs1555122335, ClinGen allele CA382559843.
Genomic context (GRCh38, chr11:108,329,237, plus strand): 5'-CTCCTGAAAAGAGCCAAAGAGGAAGTAGGTCTCCTTAGGGAACATAAAATTCAGACAAAC[A>G]GGTAACTAGGTTTCTACAAGTGACAATTTTATGTTCACCAGTTAACTGAGTGAGTGTTTT-3'
Protein context (NP_000042.3, residues 2426-2446): LLREHKIQTN[Arg2436Gly]YTVKVQRELE